The following is an entry in ClinVar:

ClinVar aggregate classification (germline): Conflicting classifications of pathogenicity. Review status: criteria provided, conflicting classifications (1 of 4 stars). 2 submissions from 2 submitters: Uncertain significance (1); Likely benign (1). Last evaluated 2025-08-06.

Conditions:
Cardiovascular phenotype. Identifiers: MedGen CN230736.

Allele frequency attached by ClinVar (database versions not stated): gnomAD 0.00001; TOPMed 0.00002.
gnomAD v4.1: 12 of 1,550,192 alleles (0.00077%); highest among the groups gnomAD compares: Admixed American, 0.002%; no homozygotes.

Submissions (2):

Labcorp Genetics (formerly Invitae), Labcorp
Classification: Uncertain significance. Last evaluated: 2025-08-06. Review status: criteria provided, single submitter. Criteria: Invitae Variant Classification Sherloc (09022015). Collection method: clinical testing. Allele origin: germline.
Comment: This sequence change replaces glycine, which is neutral and non-polar, with serine, which is neutral and polar, at codon 1890 of the ZNF469 protein (p.Gly1890Ser). This variant is present in population databases (no rsID available, gnomAD 0.002%). This variant has not been reported in the literature in individuals affected with ZNF469-related conditions. ClinVar contains an entry for this variant (Variation ID: 3232829). An algorithm developed to predict the effect of missense changes on protein structure and function outputs the following: PolyPhen-2: "Benign". The serine amino acid residue is found in multiple mammalian species, which suggests that this missense change does not adversely affect protein function. In summary, the available evidence is currently insufficient to determine the role of this variant in disease. Therefore, it has been classified as a Variant of Uncertain Significance.

Ambry Genetics
Classification: Likely benign for Cardiovascular phenotype. Last evaluated: 2025-03-27. Review status: criteria provided, single submitter. Criteria: Ambry Variant Classification Scheme 2023. Collection method: clinical testing. Allele origin: germline.

NM_001367624.2(ZNF469):c.5752G>A (p.Gly1918Ser)

Gene: ZNF469 (zinc finger protein 469; plus strand). Cytogenetic location: 16q24.2.
Variant type: single nucleotide variant.
Coding change: c.5752G>A on transcript NM_001367624.2 (MANE Select); coding-DNA position 5752, G replaced by A.
Protein change: p.Gly1918Ser; replaces glycine 1918 with serine.
Molecular consequence: missense variant.
Genome position (GRCh38, 1-based): chr16:88,433,222, G>A. VCF-style: chr16-88433222-G-A. GRCh37 (hg19) VCF-style: chr16-88499630-G-A.
Other names: NM_001127464.1:c.5668G>A; short protein forms G1918S.
Identifiers: ClinVar variation 3232829 (VCV003232829.4), dbSNP rs1331518805, ClinGen allele CA397102171.